The following is an entry in ClinVar:

NM_152419.3(HGSNAT):c.360_363del (p.Glu121fs)

Gene: HGSNAT (heparan-alpha-glucosaminide N-acetyltransferase; plus strand). Cytogenetic location: 8p11.21.
Variant type: Microsatellite.
Coding change: c.360_363del on transcript NM_152419.3 (MANE Select); coding-DNA positions 360 to 363, 4 bases deleted (AGAA; older notation c.360_363delAGAA).
Protein change: p.Glu121fs; shifts the reading frame from glutamic acid 121.
Molecular consequence: frameshift variant. On other transcripts: 5 prime UTR variant (1).
Genome position (GRCh38, 1-based): chr8:43,158,700-43,158,703, AGAA deleted; deleting any 4 consecutive bases within chr8:43,158,696-43,158,703 gives the same sequence; the c. name uses the placement nearest the transcript's 3' end. VCF-style (leftmost placement, unchanged base first): chr8-43158695-GAGAA-G. GRCh37 (hg19) VCF-style: chr8-43013838-GAGAA-G.
Other names: c.360_363del, p.Glu121fs (NM_001363227.2, NM_001363228.2); c.-478AGAA[1] (NM_001363229.2); short protein forms E121fs.
Identifiers: ClinVar variation 4069299 (VCV004069299.2).
Genomic context (GRCh38, chr8:43,158,695, plus strand): 5'-GCAGCTGCCTCTGTCAGCACCCAGCACGGATCTATCCTGCAGCTGAACGACACCTTGGAA[GAGAA>G]AGAAGTTTGTAGGTTTGTGCCTGCTTTGTTGTGATCTAAGTGAAGTCTGCATTTTCTCTT-3'

ClinVar aggregate classification (germline): Likely pathogenic (1 of 4 stars; one submission).

Conditions:
Mucopolysaccharidosis, MPS-III-C (MPS3C). Also called: SANFILIPPO SYNDROME C; MPS III C; mucopolysaccharidosis type 3C; MPS IIIC (Sanfilippo Syndrome Type C); MUCOPOLYSACCHARIDOSIS, TYPE IIIC; Mucopolysaccharidosis type IIIC (Sanfilippo C). Identifiers: Orphanet 581, Orphanet 79271, MedGen C0086649, MONDO:0009657, OMIM 252930.

Submission:

Natera, Inc.
Classification: Likely pathogenic for Mucopolysaccharidosis type IIIC. Last evaluated: 2025-03-31. Review status: criteria provided, single submitter. Criteria: Natera Variant Classification Schema (03/2026). Collection method: clinical testing. Allele origin: germline.
Comment: The c.360_363del variant in HGSNAT is a frameshift variant predicted to shift the reading frame beginning at codon 121 and leads to a stop codon 18 codons downstream. This variant is expected to result in nonsense mediated decay, truncation, or a dysfunctional protein product. This variant is rare in the general population with a frequency below the threshold expected for the associated phenotype(s). Given the available evidence, this variant is classified as Likely Pathogenic.